The following is an entry in ClinVar:

ClinVar aggregate classification (germline): Likely benign (0 of 4 stars; one submission).

Conditions:
CACNA1B-related disorder. Also called: CACNA1B-related condition.

Allele frequency attached by ClinVar (database versions not stated): ExAC 0.05368.

Submission:

PreventionGenetics, part of Exact Sciences
Classification: Likely benign for CACNA1B-related condition. Last evaluated: 2022-02-09. Review status: no assertion criteria provided. Collection method: clinical testing. Allele origin: germline.
Comment: This variant is classified as likely benign based on ACMG/AMP sequence variant interpretation guidelines (Richards et al. 2015 PMID: 25741868, with internal and published modifications).

NM_000718.4(CACNA1B):c.284+8_284+9del

Genes: CACNA1B (calcium voltage-gated channel subunit alpha1 B; plus strand), CACNA1B-AS2 (CACNA1B antisense RNA 2; minus strand). Cytogenetic location: 9q34.3.
Variant type: Deletion.
Coding change: c.284+8_284+9del on transcript NM_000718.4 (MANE Select); bases 8 to 9 of the intron after coding-DNA position 284, 2 bases deleted (GC; older notation c.284+8_284+9delGC).
Molecular consequence: intron variant.
Genome position (GRCh38, 1-based): chr9:137,878,225-137,878,226, GC deleted. VCF-style (leftmost placement, unchanged base first): chr9-137878224-TGC-T. GRCh37 (hg19) VCF-style: chr9-140772676-TGC-T.
Other names: c.284+8_284+9del (NM_001243812.2).
Identifiers: ClinVar variation 3041544 (VCV003041544.2), dbSNP rs754957316, ClinGen allele CA5375684.